The following is an entry in ClinVar:

ClinVar aggregate classification (germline): Pathogenic. Review status: reviewed by expert panel (3 of 4 stars). 5 submissions from 5 submitters: Pathogenic (1). 4 of the submissions do not count toward it. Last evaluated 2016-09-08.

Conditions:
Hereditary cancer-predisposing syndrome. Also called: Tumor predisposition; Neoplastic Syndromes, Hereditary; Hereditary Cancer Syndrome; Hereditary neoplastic syndrome. Identifiers: Orphanet 140162, MedGen C0027672, MeSH D009386, MONDO:0015356.
Hereditary breast ovarian cancer syndrome. Also called: Hereditary breast and ovarian cancer syndrome (HBOC); Hereditary breast and ovarian cancer syndrome; Hereditary breast and ovarian cancer; Hereditary breast and/or ovarian cancer syndrome; Breast and ovarian cancer; BRCA1- and BRCA2-Associated Hereditary Breast and Ovarian Cancer. Identifiers: Orphanet 145, MedGen C0677776, MeSH D061325, MONDO:0003582. Disease mechanism: loss of function.
Breast-ovarian cancer, familial, susceptibility to, 1 (BROVCA1). Also called: OVARIAN CANCER, SUSCEPTIBILITY TO; BRCA1 Hereditary Breast and Ovarian Cancer. Identifiers: Orphanet 145, MedGen C2676676, MONDO:0011450, OMIM 604370. Disease mechanism: loss of function.

Submissions (5):

Evidence-based Network for the Interpretation of Germline Mutant Alleles (ENIGMA)
Classification: Pathogenic for Breast-ovarian cancer, familial, susceptibility to, 1. Last evaluated: 2016-09-08. Review status: reviewed by expert panel. Criteria: ENIGMA BRCA1/2 Classification Criteria (2015). Collection method: curation. Allele origin: germline.
Comment: Variant allele predicted to encode a truncated non-functional protein.

Ambry Genetics
Classification: Pathogenic for Hereditary cancer-predisposing syndrome. Last evaluated: 2024-12-15. Review status: criteria provided, single submitter. Criteria: Ambry Variant Classification Scheme 2023. Collection method: clinical testing. Allele origin: germline. Not counted in ClinVar's aggregate classification.
Comment: The c.101delC variant, located in coding exon 2 of the BRCA1 gene, results from a deletion of one nucleotide at nucleotide position 101, causing a translational frameshift with a predicted alternate stop codon (p.P34Lfs*16). This variant is considered to be rare based on population cohorts in the Genome Aggregation Database (gnomAD). This alteration is expected to result in loss of function by premature protein truncation or nonsense-mediated mRNA decay. As such, this alteration is interpreted as a disease-causing mutation.

Women's Health and Genetics/Laboratory Corporation of America, LabCorp
Classification: Pathogenic for Hereditary breast ovarian cancer syndrome. Last evaluated: 2017-01-06. Review status: criteria provided, single submitter. Criteria: LabCorp Variant Classification Summary - May 2015. Collection method: clinical testing. Allele origin: germline. Not counted in ClinVar's aggregate classification.
Comment: Variant summary: The BRCA1 c.101delC (p.Pro34Leufs) variant, alternatively also known as 220delC, results in a premature termination codon, predicted to cause a truncated or absent BRCA1 protein due to nonsense mediated decay (NMD), which is the known disease mechanism in HBOC. If the variant escapes NMD, it is expected to truncate substantial part of RING domain and truncate S-R and BRCT domains (InterPro). Truncations downstream of this position have been classified as pathogenic by our laboratory and others (e.g. p.Gln60X, p.Glu143X, p.Trp1815X, etc.). This variant is absent in 113688 control chromosomes from ExAC. In addition, multiple clinical diagnostic laboratories/reputable databases have classified this variant as pathogenic. The variant of interest has not, to our knowledge, been reported in affected individuals via publications. It has been reported in at least two HBOC patients by clinical labs in ClinVar. Taken together, this variant is classified as Pathogenic.

Research Molecular Genetics Laboratory, Women's College Hospital, University of Toronto
Classification: Pathogenic for Hereditary breast ovarian cancer syndrome. Last evaluated: 2014-01-31. Review status: no assertion criteria provided. Collection method: research. Allele origin: germline. Affected: yes. Study: The Canadian Open Genetics Repository (COGR). Not counted in ClinVar's aggregate classification.

Breast Cancer Information Core (BIC) (BRCA1)
Classification: Pathogenic for Breast-ovarian cancer, familial 1. Last evaluated: 2003-12-23. Review status: no assertion criteria provided. Collection method: clinical testing. Allele origin: germline. Affected: yes. Observed: 1 variant allele. Not counted in ClinVar's aggregate classification.

NM_007294.4(BRCA1):c.101del (p.Pro34fs)

Gene: BRCA1 (BRCA1 DNA repair associated; minus strand). Cytogenetic location: 17q21.31.
Variant type: Deletion.
Coding change: c.101del on transcript NM_007294.4 (MANE Select); coding-DNA position 101, one base deleted (C; older notation c.101delC).
Protein change: p.Pro34fs; shifts the reading frame from proline 34.
Molecular consequence: frameshift variant. On other transcripts: non-coding transcript variant (1), intron variant (1).
Genome position (GRCh38, 1-based): chr17:43,115,759, G deleted on the plus strand (C on the coding strand, the reverse complement: BRCA1 is on the minus strand); the first of 2 consecutive G bases (chr17:43,115,759-43,115,760); deleting either gives the same sequence. VCF-style (leftmost placement, unchanged base first): chr17-43115758-AG-A. GRCh37 (hg19) VCF-style: chr17-41267775-AG-A.
Other names: 220delC; c.101delC (NM_007294.3); c.100delC, p.Pro34Leufs (NM_001407653.1, NM_001407654.1, NM_001407655.1 and 190 more transcripts); c.-158delC (NM_001407694.1, NM_001407696.1, NM_001407724.1 and 13 more transcripts); c.-162delC (NM_001407695.1, NM_001408465.1); c.-42delC (NM_001407697.1, NM_001407725.1, NM_001407728.1 and 47 more transcripts); c.-38delC (NM_001407841.1); c.-89delC (NM_001407853.1, NM_001407879.1, NM_001407882.1 and 52 more transcripts); and 5 more; short protein forms P34fs.
Identifiers: ClinVar variation 54103 (VCV000054103.6), dbSNP rs80357750, ClinGen allele CA000692.